The following is an entry in ClinVar:

NM_017636.4(TRPM4):c.248C>T (p.Ala83Val)

Gene: TRPM4 (transient receptor potential cation channel subfamily M member 4; plus strand). Cytogenetic location: 19q13.33.
Variant type: single nucleotide variant.
Coding change: c.248C>T on transcript NM_017636.4 (MANE Select); coding-DNA position 248, C replaced by T.
Protein change: p.Ala83Val; replaces alanine 83 with valine.
Molecular consequence: missense variant. On other transcripts: 5 prime UTR variant (1), intron variant (2).
Genome position (GRCh38, 1-based): chr19:49,166,196, C>T. VCF-style: chr19-49166196-C-T. GRCh37 (hg19) VCF-style: chr19-49669453-C-T.
Other names: c.248C>T, p.Ala83Val (NM_001195227.2, NM_001321281.2); c.-1125C>T (NM_001321282.2); c.-74-2064C>T (NM_001321283.2); c.-237-2357C>T (NM_001321285.2); short protein forms A83V.
Identifiers: ClinVar variation 3603135 (VCV003603135.2).

ClinVar aggregate classification (germline): Uncertain significance (1 of 4 stars; one submission).

Submission:

GeneDx
Classification: Uncertain significance. Last evaluated: 2025-08-27. Review status: criteria provided, single submitter. Criteria: GeneDx Variant Classification Process June 2021. Collection method: clinical testing. Allele origin: germline.
Comment: Not observed at significant frequency in large population cohorts (gnomAD); In silico analysis suggests that this missense variant does not alter protein structure/function; Has not been previously published as pathogenic or benign to our knowledge